The following is an entry in ClinVar:

NM_018060.4(IARS2):c.800G>A (p.Arg267His)

Gene: IARS2 (isoleucyl-tRNA synthetase 2, mitochondrial; plus strand). Cytogenetic location: 1q41.
Variant type: single nucleotide variant.
Coding change: c.800G>A on transcript NM_018060.4 (MANE Select); coding-DNA position 800, G replaced by A.
Protein change: p.Arg267His; replaces arginine 267 with histidine.
Molecular consequence: missense variant.
Genome position (GRCh38, 1-based): chr1:220,102,545, G>A. VCF-style: chr1-220102545-G-A. GRCh37 (hg19) VCF-style: chr1-220275887-G-A.
Other names: short protein forms R267H.
Identifiers: ClinVar variation 753785 (VCV000753785.9), dbSNP rs377432411, ClinGen allele CA1401227.
Genomic context (GRCh38, chr1:220,102,545, plus strand): 5'-TAACCCTTAGGACTGCATTGGCTGAAGCAGAACTTGAATATAATCCTGAGCATGTCAGTC[G>A]TTCAATATATGTAAAATTTCCTCTCTTAAAGCCTTCTCCAAAATTGGCATCTCTTATAGG-3'
Protein context (NP_060530.3, residues 257-277): ELEYNPEHVS[Arg267His]SIYVKFPLLK

ClinVar aggregate classification (germline): Conflicting classifications of pathogenicity. Review status: criteria provided, conflicting classifications (1 of 4 stars). 2 submissions from 2 submitters: Uncertain significance (1); Likely benign (1). Last evaluated 2026-01-08.

Allele frequency attached by ClinVar (database versions not stated): gnomAD 0.00005; gnomAD exomes 0.00007 and 0.00026; ESP Exome Variant Server 0.00008; TOPMed 0.00011; ExAC 0.00031.
gnomAD v4.1: 102 of 1,613,802 alleles (0.0063%); highest among the groups gnomAD compares: Admixed American, 0.11%; no homozygotes.

Submissions (2):

Labcorp Genetics (formerly Invitae), Labcorp
Classification: Likely benign. Last evaluated: 2026-01-08. Review status: criteria provided, single submitter. Criteria: Invitae Variant Classification Sherloc (09022015). Collection method: clinical testing. Allele origin: germline.

GeneDx
Classification: Uncertain significance. Last evaluated: 2022-09-06. Review status: criteria provided, single submitter. Criteria: GeneDx Variant Classification Process June 2021. Collection method: clinical testing. Allele origin: germline. Affected: yes.
Comment: In silico analysis supports that this missense variant does not alter protein structure/function; Has not been previously published as pathogenic or benign to our knowledge